The following is an entry in ClinVar:

ClinVar aggregate classification (germline): Uncertain significance. Review status: reviewed by expert panel (3 of 4 stars). 2 submissions from 2 submitters: Uncertain significance (1). 1 of the submissions does not count toward it. Last evaluated 2026-02-06.

Conditions:
Thrombophilia, X-linked, due to factor 9 defect. Identifiers: MedGen C2749016, MONDO:0010432, OMIM 300807.
Hereditary factor IX deficiency disease (HEMB). Also called: PLASMA THROMBOPLASTIN COMPONENT DEFICIENCY; Hemophilia B; Christmas Disease; F9 DEFICIENCY; FACTOR IX DEFICIENCY. Identifiers: Orphanet 98879, MedGen C0008533, MeSH D002836, MONDO:0010604, OMIM 306900.

Allele frequency attached by ClinVar (database versions not stated): TOPMed 0.00001.

Submissions (2):

ClinGen Coagulation Factor Deficiency Variant Curation Expert Panel, Clingen
Classification: Uncertain significance for Hereditary factor IX deficiency disease. Last evaluated: 2026-02-06. Review status: reviewed by expert panel. Criteria: ClinGen CoagFactor ACMG Specifications F9 V2.1.0. Collection method: curation. Allele origin: germline. Inheritance: X-linked inheritance.
Comment: The F9 c.471T>C (p.Cys157=) variant is absent from males in population databases (gnomAD v4.1.0). The Cys157= synonymous variant has an acceptor and donor gain SpliceAI score of 0.08 (<0.1 cutoff) based on meeting the BP4 code. The BP7 is not met due to its conservation scores. We are not aware of any cases of hemophilia B in the literature or in databases at this time. In summary, based on the evidence available at this time, the clinical significance of this variant is uncertain. ACMG/AMP criteria applied, as specified by the Coagulation Factor Deficiency Variant Curation Expert Panel for F9 v2.0.1: PM2_Supporting, BP4.

Labcorp Genetics (formerly Invitae), Labcorp
Classification: Likely benign for Thrombophilia, X-linked, due to factor 9 defect; Hereditary factor IX deficiency disease. Last evaluated: 2023-11-02. Review status: criteria provided, single submitter. Criteria: Invitae Variant Classification Sherloc (09022015). Collection method: clinical testing. Allele origin: germline. Not counted in ClinVar's aggregate classification.

NM_000133.4(F9):c.471T>C (p.Cys157=)

Gene: F9 (coagulation factor IX; plus strand). Cytogenetic location: Xq27.1.
Variant type: single nucleotide variant.
Coding change: c.471T>C on transcript NM_000133.4 (MANE Select); coding-DNA position 471, T replaced by C.
Protein change: p.Cys157=; no amino-acid change (cysteine 157 retained).
Molecular consequence: synonymous variant.
Genome position (GRCh38, 1-based): chrX:139,548,442, T>C. VCF-style: chrX-139548442-T-C. GRCh37 (hg19) VCF-style: chrX-138630601-T-C.
Other names: NM_000133.4(F9):c.471T>C; p.Cys157=; c.357T>C, p.Cys119= (NM_001313913.2).
Identifiers: ClinVar variation 798429 (VCV000798429.10), dbSNP rs1603265493, ClinGen allele CA518861298.